The following is an entry in ClinVar:

ClinVar aggregate classification (germline): Pathogenic (1 of 4 stars; one submission).

Submission:

Labcorp Genetics (formerly Invitae), Labcorp
Classification: Pathogenic. Last evaluated: 2022-07-05. Review status: criteria provided, single submitter. Criteria: Invitae Variant Classification Sherloc (09022015). Collection method: clinical testing. Allele origin: germline.
Comment: For these reasons, this variant has been classified as Pathogenic. This variant has not been reported in the literature in individuals affected with MYO7A-related conditions. This variant is not present in population databases (gnomAD no frequency). This sequence change creates a premature translational stop signal (p.Leu73Serfs*35) in the MYO7A gene. It is expected to result in an absent or disrupted protein product. Loss-of-function variants in MYO7A are known to be pathogenic (PMID: 8900236, 25404053).

Literature cited by the submitters: PubMed 8900236; PubMed 25404053.

NM_000260.4(MYO7A):c.211_215dup (p.Leu73fs)

Gene: MYO7A (myosin VIIA; plus strand). Cytogenetic location: 11q13.5.
Variant type: Duplication.
Coding change: c.211_215dup on transcript NM_000260.4 (MANE Select); coding-DNA positions 211 to 215, 5 bases duplicated (ATCCG; older notation c.211_215dupATCCG).
Protein change: p.Leu73fs; shifts the reading frame from leucine 73.
Molecular consequence: frameshift variant.
Genome position (GRCh38, 1-based): chr11:77,147,876-77,147,880, ATCCG duplicated; duplicating any 5 consecutive bases within chr11:77,147,875-77,147,880 gives the same sequence; the c. name uses the placement nearest the transcript's 3' end. VCF-style (leftmost placement, unchanged base first): chr11-77147874-T-TGATCC. GRCh37 (hg19) VCF-style: chr11-76858920-T-TGATCC.
Other names: c.211_215dup, p.Leu73fs (NM_001127180.2); c.178_182dup, p.Leu62fs (NM_001369365.1); short protein forms L62fs, L73fs.
Identifiers: ClinVar variation 2014209 (VCV002014209.4), dbSNP rs2496576381, ClinGen allele CA2580084910.